The following is an entry in ClinVar:

ClinVar aggregate classification (germline): Likely benign. Review status: criteria provided, multiple submitters, no conflicts (2 of 4 stars). 2 submissions from 2 submitters: Likely benign (2). Last evaluated 2025-04-22.

Allele frequency attached by ClinVar (database versions not stated): gnomAD exomes below 0.00001 and 0.00001; ExAC 0.00001; TOPMed 0.00001.
gnomAD v4.1: 5 of 1,614,100 alleles (0.00031%); highest among the groups gnomAD compares: Non-Finnish European, 0.00042%; no homozygotes.

Submissions (2):

Labcorp Genetics (formerly Invitae), Labcorp
Classification: Likely benign. Last evaluated: 2025-04-22. Review status: criteria provided, single submitter. Criteria: Invitae Variant Classification Sherloc (09022015). Collection method: clinical testing. Allele origin: germline.

CeGaT Center for Human Genetics Tuebingen
Classification: Likely benign. Last evaluated: 2022-06-01. Review status: criteria provided, single submitter. Criteria: CeGaT Center For Human Genetics Tuebingen Variant Classification Criteria Version 2. Collection method: clinical testing. Allele origin: germline. Affected: yes. Observed: 1 variant allele.
Comment: FAT4: BP4, BP7

NM_001291303.3(FAT4):c.3228A>G (p.Ala1076=)

Gene: FAT4 (FAT atypical cadherin 4; plus strand). Cytogenetic location: 4q28.1.
Variant type: single nucleotide variant.
Coding change: c.3228A>G on transcript NM_001291303.3 (MANE Select); coding-DNA position 3228, A replaced by G.
Protein change: p.Ala1076=; no amino-acid change (alanine 1076 retained).
Molecular consequence: synonymous variant.
Genome position (GRCh38, 1-based): chr4:125,319,639, A>G. VCF-style: chr4-125319639-A-G. GRCh37 (hg19) VCF-style: chr4-126240794-A-G.
Other names: c.3228A>G, p.Ala1076= (NM_001291285.3, NM_024582.6).
Identifiers: ClinVar variation 1695108 (VCV001695108.33), dbSNP rs777609137, ClinGen allele CA3072280.
Genomic context (GRCh38, chr4:125,319,639, plus strand): 5'-TGAACTGGACCGTGAACTTCAAGACAGATATGTTTTAATGGTTGTTGCTTCTGACAGAGC[A>G]GTGGAACCCCTTAGTGCTACTGTGAATGTTACTGTAATTTTAGAAGATGTAAATGATAAC-3'
Protein context (NP_001278232.1, residues 1066-1086): YVLMVVASDR[Ala1076=]VEPLSATVNV